The following is an entry in ClinVar:

ClinVar aggregate classification (germline): Pathogenic/Likely pathogenic. Review status: criteria provided, multiple submitters, no conflicts (2 of 4 stars). 2 submissions from 2 submitters: Pathogenic (1); Likely pathogenic (1). Last evaluated 2026-05-28.

Conditions:
Hereditary cancer-predisposing syndrome. Also called: Neoplastic Syndromes, Hereditary; Tumor predisposition; Hereditary Cancer Syndrome; Hereditary neoplastic syndrome. Identifiers: Orphanet 140162, MedGen C0027672, MeSH D009386, MONDO:0015356.

Submissions (2):

Ambry Genetics
Classification: Likely pathogenic for Hereditary cancer-predisposing syndrome. Last evaluated: 2026-05-28. Review status: criteria provided, single submitter. Criteria: Ambry Variant Classification Scheme 2023. Collection method: clinical testing. Allele origin: germline.
Comment: The p.N107K variant (also known as c.321C>G), located in coding exon 3 of the FH gene, results from a C to G substitution at nucleotide position 321. The asparagine at codon 107 is replaced by lysine, an amino acid with similar properties. This variant was reported in individual(s) with features consistent with FH-related tumor predisposition (Ambry internal data; external communication). Other variant(s) at the same codon, p.N107T (c.320A>C), have been identified in individual(s) with features consistent with FH-related tumor predisposition (Ambry internal data). This amino acid position is highly conserved in available vertebrate species. In addition, this alteration is predicted to be deleterious by in silico analysis. This variant is considered to be rare based on population cohorts in the Genome Aggregation Database (gnomAD). Based on the majority of available evidence to date, this variant is likely to be pathogenic.

Labcorp Genetics (formerly Invitae), Labcorp
Classification: Pathogenic. Last evaluated: 2022-02-24. Review status: criteria provided, single submitter. Criteria: Invitae Variant Classification Sherloc (09022015). Collection method: clinical testing. Allele origin: germline.
Comment: For these reasons, this variant has been classified as Pathogenic. This variant disrupts the p.Asn107 amino acid residue in FH. Other variant(s) that disrupt this residue have been determined to be pathogenic (PMID: 11865300, 16757530, 23211287, 24625422). This suggests that this residue is clinically significant, and that variants that disrupt this residue are likely to be disease-causing. Advanced modeling of protein sequence and biophysical properties (such as structural, functional, and spatial information, amino acid conservation, physicochemical variation, residue mobility, and thermodynamic stability) performed at Invitae indicates that this missense variant is expected to disrupt FH protein function. This missense change has been observed in individual(s) with clinical features of hereditary leiomyomatosis and renal cell cancer (Invitae). This variant is not present in population databases (gnomAD no frequency). This sequence change replaces asparagine, which is neutral and polar, with lysine, which is basic and polar, at codon 107 of the FH protein (p.Asn107Lys).

Literature cited by the submitters: PubMed 11865300 (cited by Labcorp Genetics (formerly Invitae), Labcorp); PubMed 16757530 (cited by Labcorp Genetics (formerly Invitae), Labcorp); PubMed 23211287 (cited by Labcorp Genetics (formerly Invitae), Labcorp); PubMed 24625422 (cited by Labcorp Genetics (formerly Invitae), Labcorp).

NM_000143.4(FH):c.321C>G (p.Asn107Lys)

Gene: FH (fumarate hydratase; minus strand). Cytogenetic location: 1q43.
Variant type: single nucleotide variant.
Coding change: c.321C>G on transcript NM_000143.4 (MANE Select); coding-DNA position 321, C replaced by G.
Protein change: p.Asn107Lys; replaces asparagine 107 with lysine.
Molecular consequence: missense variant.
Genome position (GRCh38, 1-based): chr1:241,513,660, G>C on the plus strand (C>G on the coding strand, the complement: FH is on the minus strand). VCF-style: chr1-241513660-G-C. GRCh37 (hg19) VCF-style: chr1-241676960-G-C.
Other names: short protein forms N107K.
Identifiers: ClinVar variation 2101618 (VCV002101618.5), dbSNP rs2527335211, ClinGen allele CA345440734.
Genomic context (GRCh38, chr1:241,513,660, plus strand): 5'-TACCTCATCTGCTGCCTTCATTATTGCATTAGCAATCTTTGGATCAAGACCATAATCCTG[G>C]TTTACTTCAGCGGCCGCTCGCTTCAAGATGCCAAAAGCTTTAATAACTGGGGTCTAAAAT-3'
Protein context (NP_000134.2, residues 97-117): GILKRAAAEV[Asn107Lys]QDYGLDPKIA